The following is an entry in ClinVar:

ClinVar aggregate classification (germline): Benign/Likely benign. Review status: criteria provided, multiple submitters, no conflicts (2 of 4 stars). 4 submissions from 4 submitters: Benign (3); Likely benign (1). Last evaluated 2018-06-14.

Conditions:
Loeys-Dietz syndrome 2 (LDS2). Also called: TGFBR2-Related Loeys-Dietz Syndrome; AORTIC ANEURYSM, FAMILIAL THORACIC 3; MARFAN SYNDROME, TYPE II; Marfan Syndrome type 2; Marfan like connective tissue disorder; MFS 2. Identifiers: Orphanet 284973, Orphanet 558, MedGen C2674574, MONDO:0012427, OMIM 610168.
Diabetic retinopathy. Identifiers: MedGen C0011884, MONDO:0005266.

Allele frequency attached by ClinVar (database versions not stated): gnomAD 0.10667; TOPMed 0.11894; 1000 Genomes Project 0.12620; 1000 Genomes Project 30x 0.13382.
gnomAD v4.1: 32,147 of 639,490 alleles (5%); highest among the groups gnomAD compares: African/African-American, 32%; 3,093 homozygotes.

Submissions (4):

GeneDx
Classification: Benign. Last evaluated: 2018-06-14. Review status: criteria provided, single submitter. Criteria: GeneDx Variant Classification (06012015). Collection method: clinical testing. Allele origin: germline. Affected: yes.
Comment: This variant is considered likely benign or benign based on one or more of the following criteria: it is a conservative change, it occurs at a poorly conserved position in the protein, it is predicted to be benign by multiple in silico algorithms, and/or has population frequency not consistent with disease.

Illumina Laboratory Services, Illumina
Classification: Benign for Loeys-Dietz syndrome 2. Last evaluated: 2018-01-13. Review status: criteria provided, single submitter. Criteria: ICSL Variant Classification Criteria 13 December 2019. Collection method: clinical testing. Allele origin: germline.
Comment: This variant was observed in the ICSL laboratory as part of a predisposition screen in an ostensibly healthy population. It had not been previously curated by ICSL or reported in the Human Gene Mutation Database (HGMD: prior to June 1st, 2018), and was therefore a candidate for classification through an automated scoring system. Utilizing variant allele frequency, disease prevalence and penetrance estimates, and inheritance mode, an automated score was calculated to assess if this variant is too frequent to cause the disease. Based on the score and internal cut-off values, a variant classified as benign is not then subjected to further curation. The score for this variant resulted in a classification of benign for this disease.

Breakthrough Genomics
Classification: Benign. Review status: criteria provided, single submitter. Criteria: ACMG Guidelines, 2015. Collection method: not provided. Allele origin: germline. Inheritance: Autosomal dominant inheritance. Affected: yes.

Clinical Genomics, Uppaluri K&H Personalized Medicine Clinic
Classification: Likely benign for Diabetic retinopathy. Review status: criteria provided, single submitter. Criteria: K And H Uppaluri Personalized Medicine Clinic Variant Classification And Assertion Criteria Updated V 2. Collection method: research. Allele origin: unknown.
Comment: Potent mutations in TGFBR2 gene encodes the transforming growth factor that have been associated with angiogenesis and diabetic retinopathy. More clinical studies are needed for stronger association. However, more evidence is required to confer the association of this particular variant rs2306856 with diabetic retinopathy.

Literature cited by the submitters: PubMed 30222965 (cited by Clinical Genomics, Uppaluri K&H Personalized Medicine Clinic); PubMed 28162229 (cited by Clinical Genomics, Uppaluri K&H Personalized Medicine Clinic); PubMed 34572573 (cited by Clinical Genomics, Uppaluri K&H Personalized Medicine Clinic).

NM_003242.6(TGFBR2):c.-128C>G

Genes: TGFBR2 (transforming growth factor beta receptor 2; plus strand), LOC129936399 (ATAC-STARR-seq lymphoblastoid silent region 14158; plus strand). Cytogenetic location: 3p24.1.
Variant type: single nucleotide variant.
Coding change: c.-128C>G on transcript NM_003242.6 (MANE Select); 128 bases upstream of the start codon, C replaced by G.
Molecular consequence: 5 prime UTR variant.
Genome position (GRCh38, 1-based): chr3:30,606,756, C>G. VCF-style: chr3-30606756-C-G. GRCh37 (hg19) VCF-style: chr3-30648248-C-G.
Other names: c.-128C>G (NM_001024847.3, NM_001407126.1, NM_001407127.1 and 4 more transcripts); c.-411C>G (NM_001407133.1); c.-289C>G (NM_001407134.1); c.-336C>G (NM_001407135.1); c.-421C>G (NM_001407136.1).
Identifiers: ClinVar variation 344653 (VCV000344653.10), dbSNP rs2306856, ClinGen allele CA10616071.